The following is an entry in ClinVar:

NM_000548.5(TSC2):c.354C>T (p.Val118=)

Gene: TSC2 (TSC complex subunit 2; plus strand). Cytogenetic location: 16p13.3.
Variant type: single nucleotide variant.
Coding change: c.354C>T on transcript NM_000548.5 (MANE Select); coding-DNA position 354, C replaced by T.
Protein change: p.Val118=; no amino-acid change (valine 118 retained).
Molecular consequence: synonymous variant. On other transcripts: intron variant (1).
Genome position (GRCh38, 1-based): chr16:2,054,313, C>T. VCF-style: chr16-2054313-C-T. GRCh37 (hg19) VCF-style: chr16-2104314-C-T.
Other names: c.354C>T, p.Val118= (NM_001077183.3, NM_001114382.3, NM_001363528.2 and 3 more transcripts); c.243C>T, p.Val81= (NM_001318827.2); c.207C>T, p.Val69= (NM_001318829.2); c.387C>T, p.Val129= (NM_001318832.2); c.-1-1883C>T (NM_001318831.2).
Identifiers: ClinVar variation 732414 (VCV000732414.14), dbSNP rs762228318, ClinGen allele CA492955348.

ClinVar aggregate classification (germline): Benign/Likely benign. Review status: criteria provided, multiple submitters, no conflicts (2 of 4 stars). 4 submissions from 4 submitters: Benign (1); Likely benign (3). Last evaluated 2025-11-10.

Conditions:
Tuberous sclerosis syndrome (TSC). Also called: Tuberous Sclerosis Complex; Tuberous sclerosis. Identifiers: Orphanet 805, MedGen C0041341, MONDO:0001734.
Tuberous sclerosis 2 (TSC2). Identifiers: Orphanet 805, MedGen C1860707, MONDO:0013199, OMIM 613254.
Hereditary cancer-predisposing syndrome. Also called: Hereditary neoplastic syndrome; Neoplastic Syndromes, Hereditary; Tumor predisposition; Hereditary Cancer Syndrome. Identifiers: Orphanet 140162, MedGen C0027672, MeSH D009386, MONDO:0015356.

Allele frequency attached by ClinVar (database versions not stated): TOPMed 0.00001.

Submissions (4):

Labcorp Genetics (formerly Invitae), Labcorp
Classification: Likely benign for Tuberous sclerosis 2. Last evaluated: 2025-11-10. Review status: criteria provided, single submitter. Criteria: Invitae Variant Classification Sherloc (09022015). Collection method: clinical testing. Allele origin: germline.

Myriad Genetics, Inc.
Classification: Benign for Tuberous sclerosis 2. Last evaluated: 2025-05-02. Review status: criteria provided, single submitter. Criteria: Myriad Autosomal Dominant, Autosomal Recessive and X-Linked Classification Criteria (2023). Collection method: clinical testing. Allele origin: unknown.
Comment: This variant is considered benign. This variant is a silent/synonymous amino acid change and it is not expected to impact splicing.

All of Us Research Program, National Institutes of Health
Classification: Likely benign for Tuberous sclerosis syndrome. Last evaluated: 2023-12-13. Review status: criteria provided, single submitter. Criteria: ACMG Guidelines, 2015. Collection method: clinical testing. Allele origin: germline. Inheritance: Autosomal dominant inheritance. Observed: 1 variant allele, 1 heterozygote.
Comment: This study involves interpretation of variants in research participants for the purpose of population health screening. Participant phenotype was not available at the time of variant classification. Additional details can be found in publication PMID: 35346344, PMCID: PMC8962531

Ambry Genetics
Classification: Likely benign for Hereditary cancer-predisposing syndrome. Last evaluated: 2023-02-07. Review status: criteria provided, single submitter. Criteria: Ambry Variant Classification Scheme 2023. Collection method: clinical testing. Allele origin: germline.